The following is an entry in ClinVar:

ClinVar aggregate classification (germline): Uncertain significance (1 of 4 stars; one submission).

Conditions:
Inborn genetic diseases. Identifiers: MedGen C0950123, MeSH D030342.

Submission:

Ambry Genetics
Classification: Uncertain significance for Inborn genetic diseases. Last evaluated: 2022-08-08. Review status: criteria provided, single submitter. Criteria: Ambry Variant Classification Scheme 2023. Collection method: clinical testing. Allele origin: germline.
Comment: The p.D219N variant (also known as c.655G>A), located in coding exon 4 of the TARDBP gene, results from a G to A substitution at nucleotide position 655. The aspartic acid at codon 219 is replaced by asparagine, an amino acid with highly similar properties. This amino acid position is conserved. In addition, this alteration is predicted to be tolerated by in silico analysis. Since supporting evidence is limited at this time, the clinical significance of this alteration remains unclear.

NM_007375.4(TARDBP):c.655G>A (p.Asp219Asn)

Gene: TARDBP (TAR DNA binding protein; plus strand). Cytogenetic location: 1p36.22.
Variant type: single nucleotide variant.
Coding change: c.655G>A on transcript NM_007375.4 (MANE Select); coding-DNA position 655, G replaced by A.
Protein change: p.Asp219Asn; replaces aspartic acid 219 with asparagine.
Molecular consequence: missense variant.
Genome position (GRCh38, 1-based): chr1:11,020,540, G>A. VCF-style: chr1-11020540-G-A. GRCh37 (hg19) VCF-style: chr1-11080597-G-A.
Other names: short protein forms D219N.
Identifiers: ClinVar variation 1754193 (VCV001754193.2), dbSNP rs2521324879, ClinGen allele CA338363207.
Genomic context (GRCh38, chr1:11,020,540, plus strand): 5'-ACAGAGGACATGACTGAGGATGAGCTGCGGGAGTTCTTCTCTCAGTACGGGGATGTGATG[G>A]ATGTCTTCATCCCCAAGCCATTCAGGGCCTTTGCCTTTGTTACATTTGCAGATGATCAGG-3'
Protein context (NP_031401.1, residues 209-229): EFFSQYGDVM[Asp219Asn]VFIPKPFRAF